The following is an entry in ClinVar:

NM_000674.3(ADORA1):c.6G>A (p.Pro2=)

Gene: ADORA1 (adenosine A1 receptor; plus strand). Cytogenetic location: 1q32.1.
Variant type: single nucleotide variant.
Coding change: c.6G>A on transcript NM_000674.3 (MANE Select); coding-DNA position 6, G replaced by A.
Protein change: p.Pro2=; no amino-acid change (proline 2 retained).
Molecular consequence: synonymous variant. On other transcripts: 5 prime UTR variant (2).
Genome position (GRCh38, 1-based): chr1:203,128,847, G>A. VCF-style: chr1-203128847-G-A. GRCh37 (hg19) VCF-style: chr1-203097975-G-A.
Other names: c.6G>A, p.Pro2= (NM_001048230.2); c.-404G>A (NM_001365065.1); c.-418G>A (NM_001365066.1).
Identifiers: ClinVar variation 716278 (VCV000716278.5), dbSNP rs61731145, ClinGen allele CA1338297.

ClinVar aggregate classification (germline): Benign. Review status: criteria provided, single submitter (1 of 4 stars). 2 submissions from 2 submitters: Benign (1). 1 of the submissions does not count toward it. Last evaluated 2019-12-31.

Conditions:
ADORA1-related disorder. Also called: ADORA1-related condition.

Allele frequency attached by ClinVar (database versions not stated): 1000 Genomes Project 30x 0.00453; gnomAD 0.00471 and 0.00511; 1000 Genomes Project 0.00479; ESP Exome Variant Server 0.00523; TOPMed 0.00603.
gnomAD v4.1: 1,414 of 1,594,848 alleles (0.089%); highest among the groups gnomAD compares: African/African-American, 1.7%; 15 homozygotes.

Submissions (2):

Labcorp Genetics (formerly Invitae), Labcorp
Classification: Benign. Last evaluated: 2019-12-31. Review status: criteria provided, single submitter. Criteria: Invitae Variant Classification Sherloc (09022015). Collection method: clinical testing. Allele origin: germline.

PreventionGenetics, part of Exact Sciences
Classification: Benign for ADORA1-related condition. Last evaluated: 2024-08-09. Review status: no assertion criteria provided. Collection method: clinical testing. Allele origin: germline. Not counted in ClinVar's aggregate classification.
Comment: This variant is classified as benign based on ACMG/AMP sequence variant interpretation guidelines (Richards et al. 2015 PMID: 25741868, with internal and published modifications).